The following is an entry in ClinVar:

ClinVar aggregate classification (germline): Uncertain significance (1 of 4 stars; one submission).

Conditions:
Capillary malformation-arteriovenous malformation syndrome. Also called: Capillary malformation-arteriovenous malformation. Identifiers: Orphanet 137667, MedGen C1842180, MONDO:0012016.

Submission:

Labcorp Genetics (formerly Invitae), Labcorp
Classification: Uncertain significance for Capillary malformation-arteriovenous malformation syndrome. Last evaluated: 2021-03-23. Review status: criteria provided, single submitter. Criteria: Invitae Variant Classification Sherloc (09022015). Collection method: clinical testing. Allele origin: germline.
Comment: In summary, the available evidence is currently insufficient to determine the role of this variant in disease. Therefore, it has been classified as a Variant of Uncertain Significance. Algorithms developed to predict the effect of missense changes on protein structure and function are either unavailable or do not agree on the potential impact of this missense change (SIFT: "Tolerated"; PolyPhen-2: "Probably Damaging"; Align-GVGD: "Class C0"). This variant has not been reported in the literature in individuals with RASA1-related conditions. This variant is not present in population databases (ExAC no frequency). This sequence change replaces alanine with proline at codon 794 of the RASA1 protein (p.Ala794Pro). The alanine residue is highly conserved and there is a small physicochemical difference between alanine and proline.

NM_002890.3(RASA1):c.2380G>C (p.Ala794Pro)

Genes: CCNH (cyclin H; minus strand), RASA1 (RAS p21 protein activator 1; plus strand). Cytogenetic location: 5q14.3.
Variant type: single nucleotide variant.
Coding change: c.2380G>C on transcript NM_002890.3 (MANE Select); coding-DNA position 2380, G replaced by C.
Protein change: p.Ala794Pro; replaces alanine 794 with proline.
Molecular consequence: missense variant. On other transcripts: intron variant (1).
Genome position (GRCh38, 1-based): chr5:87,378,431, G>C. VCF-style: chr5-87378431-G-C. GRCh37 (hg19) VCF-style: chr5-86674248-G-C.
Other names: c.1849G>C, p.Ala617Pro (NM_022650.3); c.933+16613C>G (NM_001364075.2); short protein forms A617P, A794P.
Identifiers: ClinVar variation 1352676 (VCV001352676.8), dbSNP rs1360937887, ClinGen allele CA360382123.